The following is an entry in ClinVar:

ClinVar aggregate classification (germline): Uncertain significance (1 of 4 stars; one submission).

Submission:

Labcorp Genetics (formerly Invitae), Labcorp
Classification: Uncertain significance. Last evaluated: 2025-08-09. Review status: criteria provided, single submitter. Criteria: Invitae Variant Classification Sherloc (09022015). Collection method: clinical testing. Allele origin: germline.
Comment: This sequence change replaces threonine, which is neutral and polar, with isoleucine, which is neutral and non-polar, at codon 1559 of the ALPK3 protein (p.Thr1559Ile). This variant is not present in population databases (gnomAD no frequency). This variant has not been reported in the literature in individuals affected with ALPK3-related conditions. Invitae Evidence Modeling of protein sequence and biophysical properties (such as structural, functional, and spatial information, amino acid conservation, physicochemical variation, residue mobility, and thermodynamic stability) indicates that this missense variant is expected to disrupt ALPK3 protein function with a positive predictive value of 80%. In summary, the available evidence is currently insufficient to determine the role of this variant in disease. Therefore, it has been classified as a Variant of Uncertain Significance.

NM_020778.5(ALPK3):c.4070C>T (p.Thr1357Ile)

Gene: ALPK3 (alpha kinase 3; plus strand). Cytogenetic location: 15q25.3.
Variant type: single nucleotide variant.
Coding change: c.4070C>T on transcript NM_020778.5 (MANE Select); coding-DNA position 4070, C replaced by T.
Protein change: p.Thr1357Ile; replaces threonine 1357 with isoleucine.
Molecular consequence: missense variant.
Genome position (GRCh38, 1-based): chr15:84,859,880, C>T. VCF-style: chr15-84859880-C-T. GRCh37 (hg19) VCF-style: chr15-85403111-C-T.
Other names: short protein forms T1357I.
Identifiers: ClinVar variation 4744970 (VCV004744970.1).